The following is an entry in ClinVar:

ClinVar aggregate classification (germline): Conflicting classifications of pathogenicity. Review status: criteria provided, conflicting classifications (1 of 4 stars). 3 submissions from 3 submitters: Uncertain significance (1); Benign (1); Likely benign (1). Last evaluated 2025-10-13.

Conditions:
Familial sleep-related hypermotor epilepsy. Also called: Autosomal Dominant Sleep-Related Hypermotor (Hyperkinetic) Epilepsy. Identifiers: Orphanet 98784, MedGen C3696898, MONDO:0000030.
Inborn genetic diseases. Identifiers: MedGen C0950123, MeSH D030342.

Allele frequency attached by ClinVar (database versions not stated): ExAC 0.00011; gnomAD exomes 0.00005 and 0.00013; gnomAD 0.00007 and 0.00004; TOPMed 0.00014; 1000 Genomes Project 30x 0.00062; 1000 Genomes Project 0.00080.
gnomAD v4.1: 76 of 1,612,182 alleles (0.0047%); highest among the groups gnomAD compares: East Asian, 0.16%; no homozygotes.

Submissions (3):

Labcorp Genetics (formerly Invitae), Labcorp
Classification: Likely benign. Last evaluated: 2025-10-13. Review status: criteria provided, single submitter. Criteria: Invitae Variant Classification Sherloc (09022015). Collection method: clinical testing. Allele origin: germline.

GeneDx
Classification: Benign. Last evaluated: 2020-07-29. Review status: criteria provided, single submitter. Criteria: GeneDx Variant Classification Process June 2021. Collection method: clinical testing. Allele origin: germline. Affected: yes.

Ambry Genetics
Classification: Uncertain significance for Inborn genetic diseases. Last evaluated: 2016-07-14. Review status: criteria provided, single submitter. Criteria: Ambry Variant Classification Scheme 2023. Collection method: clinical testing. Allele origin: germline.
Comment: The p.S380G variant (also known as c.1138A>G), located in coding exon 5 of the CHRNA4 gene, results from an A to G substitution at nucleotide position 1138. The serine at codon 380 is replaced by glycine, an amino acid with similar properties. This variant was previously reported in the SNPDatabase as rs187372416. Based on data from the 1000 Genomes Project, the G allele has an overall frequency of approximately 0.1% (2/2098) total alleles studied. The highest observed frequency was 1.03% (2/194) Han Chinese alleles. This amino acid position is poorly conserved in available vertebrate species. In addition, this alteration is predicted to be tolerated by in silico analysis. Since supporting evidence is limited at this time, the clinical significance of this variant remains unclear.

NM_000744.7(CHRNA4):c.1138A>G (p.Ser380Gly)

Gene: CHRNA4 (cholinergic receptor nicotinic alpha 4 subunit; minus strand). Cytogenetic location: 20q13.33.
Variant type: single nucleotide variant.
Coding change: c.1138A>G on transcript NM_000744.7 (MANE Select); coding-DNA position 1138, A replaced by G.
Protein change: p.Ser380Gly; replaces serine 380 with glycine.
Molecular consequence: missense variant. On other transcripts: non-coding transcript variant (1).
Genome position (GRCh38, 1-based): chr20:63,350,273, T>C on the plus strand (A>G on the coding strand, the complement: CHRNA4 is on the minus strand). VCF-style: chr20-63350273-T-C. GRCh37 (hg19) VCF-style: chr20-61981625-T-C.
Other names: c.610A>G, p.Ser204Gly (NM_001256573.2); short protein forms S380G, S204G.
Identifiers: ClinVar variation 430038 (VCV000430038.54), dbSNP rs187372416, ClinGen allele CA9957647.